The following is an entry in ClinVar:

NM_170707.4(LMNA):c.1918A>G (p.Asn640Asp)

Gene: LMNA (lamin A/C; plus strand). Cytogenetic location: 1q22.
Variant type: single nucleotide variant.
Coding change: c.1918A>G on transcript NM_170707.4 (MANE Select); coding-DNA position 1918, A replaced by G.
Protein change: p.Asn640Asp; replaces asparagine 640 with aspartic acid.
Molecular consequence: missense variant. On other transcripts: intron variant (1).
Genome position (GRCh38, 1-based): chr1:156,138,707, A>G. VCF-style: chr1-156138707-A-G. GRCh37 (hg19) VCF-style: chr1-156108498-A-G.
Other names: c.1582A>G, p.Asn528Asp (NM_001257374.3, NM_001406989.1); c.1918A>G, p.Asn640Asp (NM_001406983.1, NM_001406985.1, NM_001406991.1); c.1675A>G, p.Asn559Asp (NM_001406986.1, NM_001406987.1); c.1621A>G, p.Asn541Asp (NM_001406988.1); c.1360A>G, p.Asn454Asp (NM_001406990.1, NM_001406993.1, NM_001406995.1 and 2 more transcripts); c.1294A>G, p.Asn432Asp (NM_001406994.1, NM_001406999.1, NM_001407000.1 and 1 more transcripts); c.1828A>G, p.Asn610Asp (NM_170708.4); c.1818+100A>G (NM_001282626.2); short protein forms N454D, N640D, N559D, N541D, N610D, N432D, N528D.
Identifiers: ClinVar variation 2116785 (VCV002116785.5), dbSNP rs1651878021, ClinGen allele CA342827910.

ClinVar aggregate classification (germline): Uncertain significance. Review status: criteria provided, multiple submitters, no conflicts (2 of 4 stars). 2 submissions from 2 submitters: Uncertain significance (2). Last evaluated 2024-08-06.

Conditions:
Primary dilated cardiomyopathy (DCM). Also called: Dilated Cardiomyopathy. Identifiers: Orphanet 217604, MedGen C0007193, MeSH D002311, MONDO:0005021, HP:0001644. Inheritance: Various modes of inheritance.
Charcot-Marie-Tooth disease type 2. Also called: Charcot-Marie-Tooth type 2. Identifiers: Orphanet 64746, MedGen C0270914, MONDO:0018993.

Allele frequency attached by ClinVar (database versions not stated): gnomAD 0.00001.
gnomAD v4.1: 1 of 1,613,182 alleles (0.000062%); highest among the groups gnomAD compares: African/African-American, 0.0013%; no homozygotes.

Submissions (2):

All of Us Research Program, National Institutes of Health
Classification: Uncertain significance for Primary dilated cardiomyopathy. Last evaluated: 2024-08-06. Review status: criteria provided, single submitter. Criteria: ACMG Guidelines, 2015. Collection method: clinical testing. Allele origin: germline. Inheritance: Autosomal dominant inheritance. Observed: 1 variant allele, 1 heterozygote.
Comment: This study involves interpretation of variants in research participants for the purpose of population health screening. Participant phenotype was not available at the time of variant classification. Additional details can be found in publication PMID: 35346344, PMCID: PMC8962531

Labcorp Genetics (formerly Invitae), Labcorp
Classification: Uncertain significance for Charcot-Marie-Tooth disease type 2. Last evaluated: 2023-07-07. Review status: criteria provided, single submitter. Criteria: Invitae Variant Classification Sherloc (09022015). Collection method: clinical testing. Allele origin: germline.
Comment: This variant is not present in population databases (gnomAD no frequency). This sequence change replaces asparagine, which is neutral and polar, with aspartic acid, which is acidic and polar, at codon 640 of the LMNA protein (p.Asn640Asp). This variant has not been reported in the literature in individuals affected with LMNA-related conditions. ClinVar contains an entry for this variant (Variation ID: 2116785). Advanced modeling of protein sequence and biophysical properties (such as structural, functional, and spatial information, amino acid conservation, physicochemical variation, residue mobility, and thermodynamic stability) has been performed at Invitae for this missense variant, however the output from this modeling did not meet the statistical confidence thresholds required to predict the impact of this variant on LMNA protein function. In summary, the available evidence is currently insufficient to determine the role of this variant in disease. Therefore, it has been classified as a Variant of Uncertain Significance.